The following is an entry in ClinVar:

NM_001394713.1(PERM1):c.2112C>T (p.Ala704=)

Gene: PERM1 (PPARGC1 and ESRR induced regulator, muscle 1; minus strand). Cytogenetic location: 1p36.33.
Variant type: single nucleotide variant.
Coding change: c.2112C>T on transcript NM_001394713.1 (MANE Select); coding-DNA position 2112, C replaced by T.
Protein change: p.Ala704=; no amino-acid change (alanine 704 retained).
Molecular consequence: synonymous variant.
Genome position (GRCh38, 1-based): chr1:978,918, G>A on the plus strand (C>T on the coding strand, the complement: PERM1 is on the minus strand). VCF-style: chr1-978918-G-A. GRCh37 (hg19) VCF-style: chr1-914298-G-A.
Other names: c.2112C>T, p.Ala704= (NM_001291366.2, NM_001369897.1, NM_001369898.1); c.1770C>T, p.Ala590= (NM_001291367.2).
Identifiers: ClinVar variation 2637981 (VCV002637981.24), dbSNP rs570864131, ClinGen allele CA507114.

ClinVar aggregate classification (germline): Likely benign (1 of 4 stars; one submission).

Allele frequency attached by ClinVar (database versions not stated): 1000 Genomes Project 0.00040; 1000 Genomes Project 30x 0.00109; TOPMed 0.00116; ExAC 0.00579.
gnomAD v4.1: 3,072 of 1,505,802 alleles (0.2%); highest among the groups gnomAD compares: Middle Eastern, 0.45%; 9 homozygotes.

Submission:

CeGaT Center for Human Genetics Tuebingen
Classification: Likely benign. Last evaluated: 2022-12-01. Review status: criteria provided, single submitter. Criteria: CeGaT Center For Human Genetics Tuebingen Variant Classification Criteria Version 2. Collection method: clinical testing. Allele origin: germline. Affected: yes. Observed: 1 variant allele.
Comment: PERM1: BP4, BP7, BS2